The following is an entry in ClinVar:

NM_022841.7(RFX7):c.1369A>C (p.Ile457Leu)

Gene: RFX7 (regulatory factor X7; minus strand). Cytogenetic location: 15q21.3.
Variant type: single nucleotide variant.
Coding change: c.1369A>C on transcript NM_022841.7 (MANE Select); coding-DNA position 1369, A replaced by C.
Protein change: p.Ile457Leu; replaces isoleucine 457 with leucine.
Molecular consequence: missense variant.
Genome position (GRCh38, 1-based): chr15:56,096,359, T>G on the plus strand (A>C on the coding strand, the complement: RFX7 is on the minus strand). VCF-style: chr15-56096359-T-G. GRCh37 (hg19) VCF-style: chr15-56388557-T-G.
Other names: c.1078A>C, p.Ile360Leu (NM_001368073.2, NM_001368074.1, NM_001370554.1); c.1369A>C, p.Ile457Leu (NM_001370561.1); short protein forms I360L, I457L.
Identifiers: ClinVar variation 5016855 (VCV005016855.1).
Genomic context (GRCh38, chr15:56,096,359, plus strand): 5'-TTGTCATTTTCACCACATTTAGAGAACTCATGTGTGAAGCGGGTACAACAGCAGTTTTGA[T>G]GGGACTACTAGTAAAGAGGACAGTAGTTGGAGAGCGAATGGTGAGTGCACTGGTGTTCGC-3'
Protein context (NP_073752.6, residues 447-467): PTTVLFTSSP[Ile457Leu]KTAVVPASHM

ClinVar aggregate classification (germline): Uncertain significance (1 of 4 stars; one submission).

Submission:

GeneDx
Classification: Uncertain significance. Last evaluated: 2025-01-09. Review status: criteria provided, single submitter. Criteria: GeneDx Variant Classification Process June 2021. Collection method: clinical testing. Allele origin: germline.
Comment: Not observed at significant frequency in large population cohorts (gnomAD); In silico analysis indicates that this missense variant does not alter protein structure/function; Has not been previously published as pathogenic or benign to our knowledge